The following is an entry in ClinVar:

NM_004958.4(MTOR):c.6008A>G (p.Asn2003Ser)

Gene: MTOR (mechanistic target of rapamycin kinase; minus strand). Cytogenetic location: 1p36.22.
Variant type: single nucleotide variant.
Coding change: c.6008A>G on transcript NM_004958.4 (MANE Select); coding-DNA position 6008, A replaced by G.
Protein change: p.Asn2003Ser; replaces asparagine 2003 with serine.
Molecular consequence: missense variant.
Genome position (GRCh38, 1-based): chr1:11,128,029, T>C on the plus strand (A>G on the coding strand, the complement: MTOR is on the minus strand). VCF-style: chr1-11128029-T-C. GRCh37 (hg19) VCF-style: chr1-11188086-T-C.
Other names: c.6008A>G, p.Asn2003Ser (NM_001386500.1); c.4760A>G, p.Asn1587Ser (NM_001386501.1); short protein forms N1587S, N2003S.
Identifiers: ClinVar variation 1703309 (VCV001703309.6), dbSNP rs1046384472, ClinGen allele CA17941657.
Genomic context (GRCh38, chr1:11,128,029, plus strand): 5'-AGGGTCTATGAAGCCCCACAGTGGCTCCGACCCACCATCATGGCCTGCTGGACCAGGGTG[T>C]TGCTGTGCTCACACATGTTCTTCAGAATCTTGTTGGCTGCATTGTGCCGGGCTGTCGTGG-3'
Protein context (NP_004949.1, residues 1993-2013): KILKNMCEHS[Asn2003Ser]TLVQQAMMVS

ClinVar aggregate classification (germline): Conflicting classifications of pathogenicity. Review status: criteria provided, conflicting classifications (1 of 4 stars). 2 submissions from 2 submitters: Uncertain significance (1); Likely benign (1). Last evaluated 2023-12-08.

Allele frequency attached by ClinVar (database versions not stated): gnomAD 0.00002; gnomAD exomes below 0.00001; TOPMed 0.00002.
gnomAD v4.1: 4 of 1,614,008 alleles (0.00025%); highest among the groups gnomAD compares: African/African-American, 0.004%; no homozygotes.

Submissions (2):

Labcorp Genetics (formerly Invitae), Labcorp
Classification: Uncertain significance. Last evaluated: 2023-12-08. Review status: criteria provided, single submitter. Criteria: Invitae Variant Classification Sherloc (09022015). Collection method: clinical testing. Allele origin: germline.
Comment: This sequence change replaces asparagine, which is neutral and polar, with serine, which is neutral and polar, at codon 2003 of the MTOR protein (p.Asn2003Ser). This variant is present in population databases (no rsID available, gnomAD 0.008%). This variant has not been reported in the literature in individuals affected with MTOR-related conditions. ClinVar contains an entry for this variant (Variation ID: 1703309). Advanced modeling of protein sequence and biophysical properties (such as structural, functional, and spatial information, amino acid conservation, physicochemical variation, residue mobility, and thermodynamic stability) performed at Invitae indicates that this missense variant is not expected to disrupt MTOR protein function with a negative predictive value of 95%. In summary, the available evidence is currently insufficient to determine the role of this variant in disease. Therefore, it has been classified as a Variant of Uncertain Significance.

GeneDx
Classification: Likely benign. Last evaluated: 2023-04-26. Review status: criteria provided, single submitter. Criteria: GeneDx Variant Classification Process June 2021. Collection method: clinical testing. Allele origin: germline.
Comment: In silico analysis supports that this missense variant does not alter protein structure/function; Has not been previously published as pathogenic or benign to our knowledge